The following is an entry in ClinVar:

NM_007118.4(TRIO):c.6920del (p.Gly2307fs)

Gene: TRIO (trio Rho guanine nucleotide exchange factor; plus strand). Cytogenetic location: 5p15.2.
Variant type: Deletion.
Coding change: c.6920del on transcript NM_007118.4 (MANE Select); coding-DNA position 6920, one base deleted (G; older notation c.6920delG).
Protein change: p.Gly2307fs; shifts the reading frame from glycine 2307.
Molecular consequence: frameshift variant. On other transcripts: non-coding transcript variant (1).
Genome position (GRCh38, 1-based): chr5:14,487,548, G deleted; the last of 5 consecutive G bases (chr5:14,487,544-14,487,548); deleting any one gives the same sequence. VCF-style (leftmost placement, unchanged base first): chr5-14487543-TG-T. GRCh37 (hg19) VCF-style: chr5-14487652-TG-T.
Other names: short protein forms G2307fs.
Identifiers: ClinVar variation 3356023 (VCV003356023.1).
Genomic context (GRCh38, chr5:14,487,543, plus strand): 5'-GTACCAGAGGAACCACAGCGGGGGCGGCGGCGGCGGCGGCAGCGGGGGCAGCGGCGGGGG[TG>T]GGGGCAGCGGCGGCGGCGGGGCCCCCAGTGGCGGCAGCGGCCACAGTGGCGGCCCCAGCA-3'

ClinVar aggregate classification (germline): Likely pathogenic (0 of 4 stars; one submission).

Conditions:
TRIO-related disorder. Also called: TRIO-related condition; TRIO-related disorders.

Submission:

PreventionGenetics, part of Exact Sciences
Classification: Likely pathogenic for TRIO-related condition. Last evaluated: 2024-05-16. Review status: no assertion criteria provided. Collection method: clinical testing. Allele origin: germline.
Comment: The TRIO c.6920delG variant is predicted to result in a frameshift and premature protein termination (p.Gly2307Alafs*106). To our knowledge, this variant has not been reported in the literature or in a large population database, indicating this variant is rare. Frameshift variants in TRIO are expected to be pathogenic. This variant is interpreted as likely pathogenic.